The following is an entry in ClinVar:

NM_006343.3(MERTK):c.2617G>A (p.Val873Ile)

Gene: MERTK (MER proto-oncogene, tyrosine kinase; plus strand). Cytogenetic location: 2q13.
Variant type: single nucleotide variant.
Coding change: c.2617G>A on transcript NM_006343.3 (MANE Select); coding-DNA position 2617, G replaced by A.
Protein change: p.Val873Ile; replaces valine 873 with isoleucine.
Molecular consequence: missense variant.
Genome position (GRCh38, 1-based): chr2:112,028,481, G>A. VCF-style: chr2-112028481-G-A. GRCh37 (hg19) VCF-style: chr2-112786058-G-A.
Other names: short protein forms V873I.
Identifiers: ClinVar variation 1908105 (VCV001908105.6), dbSNP rs747522500, ClinGen allele CA1831939.

ClinVar aggregate classification (germline): Uncertain significance. Review status: criteria provided, multiple submitters, no conflicts (2 of 4 stars). 2 submissions from 2 submitters: Uncertain significance (2). Last evaluated 2022-09-27.

Allele frequency attached by ClinVar (database versions not stated): gnomAD 0.00001.
gnomAD v4.1: 25 of 1,614,044 alleles (0.0015%); highest among the groups gnomAD compares: African/African-American, 0.004%; no homozygotes.

Submissions (2):

Labcorp Genetics (formerly Invitae), Labcorp
Classification: Uncertain significance. Last evaluated: 2022-09-27. Review status: criteria provided, single submitter. Criteria: Invitae Variant Classification Sherloc (09022015). Collection method: clinical testing. Allele origin: germline.
Comment: In summary, the available evidence is currently insufficient to determine the role of this variant in disease. Therefore, it has been classified as a Variant of Uncertain Significance. Advanced modeling of protein sequence and biophysical properties (such as structural, functional, and spatial information, amino acid conservation, physicochemical variation, residue mobility, and thermodynamic stability) performed at Invitae indicates that this missense variant is not expected to disrupt MERTK protein function. This variant has not been reported in the literature in individuals affected with MERTK-related conditions. This variant is present in population databases (rs747522500, gnomAD 0.004%). This sequence change replaces valine, which is neutral and non-polar, with isoleucine, which is neutral and non-polar, at codon 873 of the MERTK protein (p.Val873Ile).

Blueprint Genetics
Classification: Uncertain significance. Last evaluated: 2020-12-28. Review status: criteria provided, single submitter. Criteria: ACMG Guidelines, 2015. Collection method: clinical testing. Allele origin: germline.